The following is an entry in ClinVar:

NM_024426.6(WT1):c.514del (p.Gln172fs)

Genes: WT1 (WT1 transcription factor; minus strand), LOC107982234 (WT1/WT1-AS bi-directional promoter region; plus strand). Cytogenetic location: 11p13.
Variant type: Deletion.
Coding change: c.514del on transcript NM_024426.6 (MANE Select); coding-DNA position 514, one base deleted (C; older notation c.514delC).
Protein change: p.Gln172fs; shifts the reading frame from glutamine 172.
Molecular consequence: frameshift variant. On other transcripts: non-coding transcript variant (1).
Genome position (GRCh38, 1-based): chr11:32,434,847, G deleted on the plus strand (C on the coding strand, the reverse complement: WT1 is on the minus strand); the first of 2 consecutive G bases (chr11:32,434,847-32,434,848); deleting either gives the same sequence. VCF-style (leftmost placement, unchanged base first): chr11-32434846-TG-T. GRCh37 (hg19) VCF-style: chr11-32456392-TG-T.
Other names: c.514del, p.Gln172fs (NM_000378.6, NM_024424.5); c.514delC (NM_024426.6); short protein forms Q172fs.
Identifiers: ClinVar variation 1696388 (VCV001696388.2), dbSNP rs2133102575, ClinGen allele CA2580084154.

ClinVar aggregate classification (germline): Pathogenic (1 of 4 stars; one submission).

Conditions:
Wilms tumor 1 (WT1). Also called: Wilms tumor, somatic. Identifiers: Orphanet 654, MedGen CN033288, MONDO:0008679, OMIM 194070.

Submission:

Women's Health and Genetics/Laboratory Corporation of America, LabCorp
Classification: Pathogenic for Wilms tumor 1. Last evaluated: 2023-04-11. Review status: criteria provided, single submitter. Criteria: LabCorp Variant Classification Summary - May 2015. Collection method: clinical testing. Allele origin: germline.
Comment: Variant summary: WT1 c.514delC (p.Gln172SerfsX119) results in a premature termination codon, predicted to cause a truncation of the encoded protein or absence of the protein due to nonsense mediated decay, which are commonly known mechanisms for disease. Truncations downstream of this position have been classified as pathogenic by our laboratory. The variant was absent in 244686 control chromosomes. c.514delC has been reported in the literature in individuals affected with Wilms Tumor, Type 1. To our knowledge, no experimental evidence demonstrating an impact on protein function has been reported. No clinical diagnostic laboratories have submitted clinical-significance assessments for this variant to ClinVar after 2014. Based on the evidence outlined above, the variant was classified as pathogenic.

Literature cited by the submitters: PubMed 22796116.